The following is an entry in ClinVar:

NM_002941.4(ROBO1):c.1155G>A (p.Arg385=)

Gene: ROBO1 (roundabout guidance receptor 1; minus strand). Cytogenetic location: 3p12.3.
Variant type: single nucleotide variant.
Coding change: c.1155G>A on transcript NM_002941.4 (MANE Select); coding-DNA position 1155, G replaced by A.
Protein change: p.Arg385=; no amino-acid change (arginine 385 retained).
Molecular consequence: synonymous variant.
Genome position (GRCh38, 1-based): chr3:78,688,663, C>T on the plus strand (G>A on the coding strand, the complement: ROBO1 is on the minus strand). VCF-style: chr3-78688663-C-T. GRCh37 (hg19) VCF-style: chr3-78737813-C-T.
Other names: c.1047G>A, p.Arg349= (NM_001145845.2, NM_133631.4).
Identifiers: ClinVar variation 723120 (VCV000723120.8), dbSNP rs532851420, ClinGen allele CA2499040.
Genomic context (GRCh38, chr3:78,688,663, plus strand): 5'-CCATCTTTGCTGATTTAAAAAAAAAAAGTTAGAAAAAGGTGGTACCTGACTCCCTTCTCT[C>T]CTCCAGAAAATAGCTGGTTGAGGATTTCCGGTTGCTTCACACTGAAAAGTTACAGTCCGT-3'
Protein context (NP_002932.1, residues 375-395): TGNPQPAIFW[Arg385=]REGSQNLLFS

ClinVar aggregate classification (germline): Benign. Review status: criteria provided, single submitter (1 of 4 stars). 2 submissions from 2 submitters: Benign (1). 1 of the submissions does not count toward it. Last evaluated 2026-01-11.

Conditions:
ROBO1-related disorder. Also called: ROBO1-related condition.

Allele frequency attached by ClinVar (database versions not stated): gnomAD exomes 0.00016 and 0.00061; gnomAD 0.00020 and 0.00025; TOPMed 0.00037; 1000 Genomes Project 0.00060; 1000 Genomes Project 30x 0.00078; ExAC 0.00095.
gnomAD v4.1: 274 of 1,603,000 alleles (0.017%); highest among the groups gnomAD compares: East Asian, 0.53%; 1 homozygote.

Submissions (2):

Labcorp Genetics (formerly Invitae), Labcorp
Classification: Benign. Last evaluated: 2026-01-11. Review status: criteria provided, single submitter. Criteria: Invitae Variant Classification Sherloc (09022015). Collection method: clinical testing. Allele origin: germline.

PreventionGenetics, part of Exact Sciences
Classification: Benign for ROBO1-related condition. Last evaluated: 2019-05-28. Review status: no assertion criteria provided. Collection method: clinical testing. Allele origin: germline. Not counted in ClinVar's aggregate classification.
Comment: This variant is classified as benign based on ACMG/AMP sequence variant interpretation guidelines (Richards et al. 2015 PMID: 25741868, with internal and published modifications).